The following is an entry in ClinVar:

NM_020884.7(MYH7B):c.3910C>G (p.Leu1304Val)

Gene: MYH7B (myosin heavy chain 7B; plus strand). Cytogenetic location: 20q11.22.
Variant type: single nucleotide variant.
Coding change: c.3910C>G on transcript NM_020884.7 (MANE Select); coding-DNA position 3910, C replaced by G.
Protein change: p.Leu1304Val; replaces leucine 1304 with valine.
Molecular consequence: missense variant.
Genome position (GRCh38, 1-based): chr20:34,998,546, C>G. VCF-style: chr20-34998546-C-G. GRCh37 (hg19) VCF-style: chr20-33586349-C-G.
Other names: short protein forms L1304V.
Identifiers: ClinVar variation 2338299 (VCV002338299.5), dbSNP rs2519222929, ClinGen allele CA408712824.

ClinVar aggregate classification (germline): Uncertain significance. Review status: criteria provided, multiple submitters, no conflicts (2 of 4 stars). 2 submissions from 2 submitters: Uncertain significance (2). Last evaluated 2023-04-22.

Allele frequency attached by ClinVar (database versions not stated): gnomAD exomes below 0.00001.
gnomAD v4.1: 5 of 1,613,700 alleles (0.00031%); highest among the groups gnomAD compares: Admixed American, 0.0017%; no homozygotes.

Submissions (2):

Labcorp Genetics (formerly Invitae), Labcorp
Classification: Uncertain significance. Last evaluated: 2023-04-22. Review status: criteria provided, single submitter. Criteria: Invitae Variant Classification Sherloc (09022015). Collection method: clinical testing. Allele origin: germline.
Comment: ClinVar contains an entry for this variant (Variation ID: 2338299). Advanced modeling of protein sequence and biophysical properties (such as structural, functional, and spatial information, amino acid conservation, physicochemical variation, residue mobility, and thermodynamic stability) performed at Invitae indicates that this missense variant is not expected to disrupt MYH7B protein function. In summary, the available evidence is currently insufficient to determine the role of this variant in disease. Therefore, it has been classified as a Variant of Uncertain Significance. This variant has not been reported in the literature in individuals affected with MYH7B-related conditions. This sequence change replaces leucine, which is neutral and non-polar, with valine, which is neutral and non-polar, at codon 1346 of the MYH7B protein (p.Leu1346Val). This variant is not present in population databases (gnomAD no frequency).

Ambry Genetics
Classification: Uncertain significance. Last evaluated: 2022-12-21. Review status: criteria provided, single submitter. Criteria: Ambry Variant Classification Scheme 2023. Collection method: clinical testing. Allele origin: germline.